The following is an entry in ClinVar:

ClinVar aggregate classification (germline): Pathogenic. Review status: criteria provided, single submitter (1 of 4 stars). 2 submissions from 2 submitters: Pathogenic (1). 1 of the submissions does not count toward it. Last evaluated 2023-06-09.

Conditions:
Childhood hypophosphatasia. Identifiers: Orphanet 247667, Orphanet 436, MedGen C0220743, MONDO:1010168, OMIM 241510, MONDO:0009428.

Submissions (2):

Labcorp Genetics (formerly Invitae), Labcorp
Classification: Pathogenic. Last evaluated: 2023-06-09. Review status: criteria provided, single submitter. Criteria: Invitae Variant Classification Sherloc (09022015). Collection method: clinical testing. Allele origin: germline.
Comment: For these reasons, this variant has been classified as Pathogenic. This premature translational stop signal has been observed in individual(s) with clinical features of X-linked hypophosphatemia (PMID: 34141703). This variant is not present in population databases (gnomAD no frequency). This sequence change creates a premature translational stop signal (p.His487Glnfs*27) in the PHEX gene. It is expected to result in an absent or disrupted protein product. Loss-of-function variants in PHEX are known to be pathogenic (PMID: 9097956, 9106524, 19219621).

Department of Pediatric Endocrinology, Shriners Hospitals for Children - Mexico City
No classification provided. Condition: Childhood hypophosphatasia. Review status: no classification provided. Collection method: phenotyping only. Allele origin: germline. Inheritance: X-linked dominant inheritance. Affected: yes. Observed: 2 variant alleles, 1 hemizygote. Not counted in ClinVar's aggregate classification.

Literature cited by the submitters: PubMed 34141703 (cited by Labcorp Genetics (formerly Invitae), Labcorp); PubMed 9097956 (cited by Labcorp Genetics (formerly Invitae), Labcorp); PubMed 9106524 (cited by Labcorp Genetics (formerly Invitae), Labcorp); PubMed 19219621 (cited by Labcorp Genetics (formerly Invitae), Labcorp).

NM_000444.6(PHEX):c.1461del (p.His487fs)

Genes: PHEX (phosphate regulating endopeptidase X-linked; plus strand), PHEX-AS1 (PHEX antisense RNA 1; minus strand). Cytogenetic location: Xp22.11.
Variant type: Deletion.
Coding change: c.1461del on transcript NM_000444.6 (MANE Select); coding-DNA position 1461, one base deleted (T; older notation c.1461delT).
Protein change: p.His487fs; shifts the reading frame from histidine 487.
Molecular consequence: frameshift variant.
Genome position (GRCh38, 1-based): chrX:22,168,368, T deleted. VCF-style (leftmost placement, unchanged base first): chrX-22168367-AT-A. GRCh37 (hg19) VCF-style: chrX-22186484-AT-A.
Other names: c.1461del, p.His487fs (NM_001282754.2); short protein forms H487fs.
Identifiers: ClinVar variation 2780462 (VCV002780462.4), dbSNP rs2518593223, ClinGen allele CA2695231541.
Genomic context (GRCh38, chrX:22,168,367, plus strand): 5'-TGTAGGCGAGAGCTGTTTTGGCAAAAGTTGGCTATCCAGAGTTTATAATGAATGATACTC[AT>A]GTTAATGAAGACCTCAAAGCTGTAAGTGCTAAATTTACTGTACTTTTTTTTTTCTGGCAA-3'